The following is an entry in ClinVar:

ClinVar aggregate classification (germline): Conflicting classifications of pathogenicity. Review status: criteria provided, conflicting classifications (1 of 4 stars). 4 submissions from 4 submitters: Uncertain significance (2); Likely benign (1). 1 of the submissions does not count toward it. Last evaluated 2025-05-22.

Conditions:
Cutis laxa, X-linked (OHS). Also called: EDS IX; Occipital horn syndrome. Identifiers: Orphanet 198, MedGen C0268353, MONDO:0010572, OMIM 304150.
X-linked distal spinal muscular atrophy type 3. Also called: SPINAL MUSCULAR ATROPHY, DISTAL, X-LINKED RECESSIVE; ATP7A-Related Distal Motor Neuropathy; NEURONOPATHY, DISTAL HEREDITARY MOTOR, X-LINKED; NEUROPATHY, DISTAL HEREDITARY MOTOR, X-LINKED. Identifiers: Orphanet 139557, MedGen C1845359, MONDO:0010338, OMIM 300489.
Menkes kinky-hair syndrome (MNK). Also called: Copper transport disease; Menkes Disease; Classic Menkes Disease. Identifiers: Orphanet 565, MedGen C0022716, MONDO:0010651, OMIM 309400.

Submissions (4):

Labcorp Genetics (formerly Invitae), Labcorp
Classification: Uncertain significance for X-linked distal spinal muscular atrophy type 3; Cutis laxa, X-linked; Menkes kinky-hair syndrome. Last evaluated: 2025-05-22. Review status: criteria provided, single submitter. Criteria: Invitae Variant Classification Sherloc (09022015). Collection method: clinical testing. Allele origin: germline.
Comment: This sequence change replaces threonine, which is neutral and polar, with arginine, which is basic and polar, at codon 93 of the ATP7A protein (p.Thr93Arg). This variant is not present in population databases (gnomAD no frequency). This variant has not been reported in the literature in individuals affected with ATP7A-related conditions. ClinVar contains an entry for this variant (Variation ID: 387402). Invitae Evidence Modeling of protein sequence and biophysical properties (such as structural, functional, and spatial information, amino acid conservation, physicochemical variation, residue mobility, and thermodynamic stability) indicates that this missense variant is not expected to disrupt ATP7A protein function with a negative predictive value of 95%. Algorithms developed to predict the effect of sequence changes on RNA splicing suggest that this variant may create or strengthen a splice site. In summary, the available evidence is currently insufficient to determine the role of this variant in disease. Therefore, it has been classified as a Variant of Uncertain Significance.

3billion
Classification: Likely benign for Menkes kinky-hair syndrome; X-linked distal spinal muscular atrophy type 3; Cutis laxa, X-linked. Last evaluated: 2024-09-20. Review status: criteria provided, single submitter. Criteria: ACMG Guidelines, 2015. Collection method: clinical testing. Allele origin: germline. Affected: no.
Comment: The hemizygous variant was found in patients diagnosed with another variant in a different gene, with no symptoms related to the gene containing the hemizygous variant.

GeneDx
Classification: Uncertain significance. Last evaluated: 2017-10-09. Review status: criteria provided, single submitter. Criteria: GeneDx Variant Classification (06012015). Collection method: clinical testing. Allele origin: germline. Affected: yes.
Comment: The T93R variant in the ATP7A gene has not been reported previously as a pathogenic variant, nor as a benign variant, to our knowledge. The T93R variant was not observed in approximately 6,500 individuals of European and African American ancestry in the NHLBI Exome Sequencing Project, indicating it is not a common benign variant in these populations. The T93R variant is a semi-conservative amino acid substitution, which may impact secondary protein structure as these residues differ in some properties. This substitution occurs at a position that is not conserved. In silico analysis is inconsistent in its predictions as to whether or not the variant is damaging to the protein structure/function. As an alternate mechanism, multiple in silico algorithms predict that c.278C>G (aka T93R) might create a cryptic acceptor site in exon 3 which may supplant the natural donor site. However, in the absence of RNA/functional studies, the actual effect of c.278C>G in this individual is unknown.We interpret T93R as a variant of uncertain significance.

Natera, Inc.
Classification: Uncertain significance for Menkes kinky hair syndrome. Last evaluated: 2020-10-27. Review status: no assertion criteria provided. Collection method: clinical testing. Allele origin: germline. Not counted in ClinVar's aggregate classification.

NM_000052.7(ATP7A):c.278C>G (p.Thr93Arg)

Gene: ATP7A (ATPase copper transporting alpha; plus strand). Cytogenetic location: Xq21.1.
Variant type: single nucleotide variant.
Coding change: c.278C>G on transcript NM_000052.7 (MANE Select); coding-DNA position 278, C replaced by G.
Protein change: p.Thr93Arg; replaces threonine 93 with arginine.
Molecular consequence: missense variant.
Genome position (GRCh38, 1-based): chrX:77,988,399, C>G. VCF-style: chrX-77988399-C-G. GRCh37 (hg19) VCF-style: chrX-77243895-C-G.
Other names: c.278C>G, p.Thr93Arg (NM_001282224.2); short protein forms T93R.
Identifiers: ClinVar variation 387402 (VCV000387402.5), dbSNP rs539177302, ClinGen allele CA16608598.